The following is an entry in ClinVar:

ClinVar aggregate classification (germline): Likely benign (1 of 4 stars; one submission).

Allele frequency attached by ClinVar (database versions not stated): gnomAD 0.00001.
gnomAD v4.1: 13 of 1,613,814 alleles (0.00081%); highest among the groups gnomAD compares: Non-Finnish European, 0.0011%; no homozygotes.

Submission:

CeGaT Center for Human Genetics Tuebingen
Classification: Likely benign. Last evaluated: 2023-01-01. Review status: criteria provided, single submitter. Criteria: CeGaT Center For Human Genetics Tuebingen Variant Classification Criteria Version 2. Collection method: clinical testing. Allele origin: germline. Affected: yes. Observed: 1 variant allele.
Comment: NLRP5: BP4, BP7

NC_000019.10:g.56028246G>A

Gene: NLRP5 (NLR family pyrin domain containing 5; plus strand). Cytogenetic location: 19q13.43.
Variant type: single nucleotide variant.
Genome position: GRCh38 VCF-style: chr19-56028246-G-A. GRCh37 (hg19) VCF-style: chr19-56539612-G-A.
Identifiers: ClinVar variation 2498797 (VCV002498797.28), dbSNP rs769237049, ClinGen allele CA9685732.